The following is an entry in ClinVar:

ClinVar aggregate classification (germline): Pathogenic. Review status: criteria provided, multiple submitters, no conflicts (2 of 4 stars). 3 submissions from 3 submitters: Pathogenic (3). Last evaluated 2024-02-20.

Conditions:
Hereditary cancer-predisposing syndrome. Also called: Hereditary neoplastic syndrome; Tumor predisposition; Hereditary Cancer Syndrome; Neoplastic Syndromes, Hereditary. Identifiers: Orphanet 140162, MedGen C0027672, MeSH D009386, MONDO:0015356.
Familial adenomatous polyposis 1 (FAP1). Also called: FAMILIAL ADENOMATOUS POLYPOSIS 1, ATTENUATED; POLYPOSIS, ADENOMATOUS INTESTINAL. Identifiers: MedGen C2713442, MONDO:0021056, OMIM 175100. Disease mechanism: loss of function.

Submissions (3):

Ambry Genetics
Classification: Pathogenic for Hereditary cancer-predisposing syndrome. Last evaluated: 2024-02-20. Review status: criteria provided, single submitter. Criteria: Ambry Variant Classification Scheme 2023. Collection method: clinical testing. Allele origin: germline.
Comment: The c.3404_3405delAT pathogenic mutation, located in coding exon 15 of the APC gene, results from a deletion of two nucleotides at nucleotide positions 3404 to 3405, causing a translational frameshift with a predicted alternate stop codon (p.Y1135*). This alteration occurs at the 3' terminus of theAPC gene, is not expected to trigger nonsense-mediated mRNA decay, and impacts the last 60.1% of the protein. However, premature stop codons are typically deleterious in nature and the impacted region is critical for protein function (Ambry internal data). This variant has been observed in multiple individuals with a personal and/or family history that is consistent with APC-associated polyposis conditions (Staninova-Stojovska M et al. Balkan J Med Genet, 2019 Dec;22:5-16; Ambry internal data). This variant is considered to be rare based on population cohorts in the Genome Aggregation Database (gnomAD). Based on the supporting evidence, this alteration is interpreted as a disease-causing mutation.

Myriad Genetics, Inc.
Classification: Pathogenic for Familial adenomatous polyposis 1. Last evaluated: 2023-05-08. Review status: criteria provided, single submitter. Criteria: Myriad Autosomal Dominant, Autosomal Recessive and X-Linked Classification Criteria (2023). Collection method: clinical testing. Allele origin: unknown.
Comment: This variant is considered pathogenic. This variant creates a termination codon and is predicted to result in premature protein truncation.

Labcorp Genetics (formerly Invitae), Labcorp
Classification: Pathogenic for Familial adenomatous polyposis 1. Last evaluated: 2022-02-27. Review status: criteria provided, single submitter. Criteria: Invitae Variant Classification Sherloc (09022015). Collection method: clinical testing. Allele origin: germline.
Comment: This sequence change creates a premature translational stop signal (p.Tyr1135*) in the APC gene. While this is not anticipated to result in nonsense mediated decay, it is expected to disrupt the last 1709 amino acid(s) of the APC protein. This variant is not present in population databases (gnomAD no frequency). This premature translational stop signal has been observed in individual(s) with clinical features of familial adenomatous polyposis (PMID: 8730280, 11748858). ClinVar contains an entry for this variant (Variation ID: 219434). This variant is expected to disrupt the EB1 and HDLG binding sites, which mediate interactions with the cytoskeleton (PMID: 15311282, 17293347). While functional studies have not been performed to directly test the effect on APC protein function, this suggests that disruption of the C-terminal portion of the protein is functionally important. A different truncation (p.Tyr2645Lysfs*14) that lies downstream of this variant has been determined to be pathogenic (PMID: 9824584, 1316610, 27081525, 8381579, 22135120, Invitae). This suggests that deletion of this region of the APC protein is causative of disease. For these reasons, this variant has been classified as Pathogenic.

Literature cited by the submitters: PubMed 31942411 (cited by Ambry Genetics); PubMed 8730280 (cited by Labcorp Genetics (formerly Invitae), Labcorp); PubMed 11748858 (cited by Labcorp Genetics (formerly Invitae), Labcorp); PubMed 15311282 (cited by Labcorp Genetics (formerly Invitae), Labcorp); PubMed 17293347 (cited by Labcorp Genetics (formerly Invitae), Labcorp); PubMed 9824584 (cited by Labcorp Genetics (formerly Invitae), Labcorp); PubMed 1316610 (cited by Labcorp Genetics (formerly Invitae), Labcorp); PubMed 27081525 (cited by Labcorp Genetics (formerly Invitae), Labcorp); PubMed 8381579 (cited by Labcorp Genetics (formerly Invitae), Labcorp); PubMed 22135120 (cited by Labcorp Genetics (formerly Invitae), Labcorp).

NM_000038.6(APC):c.3404_3405del (p.Asp1134_Tyr1135insTer)

Gene: APC (APC regulator of Wnt signaling pathway; plus strand). Cytogenetic location: 5q22.2.
Variant type: Deletion.
Coding change: c.3404_3405del on transcript NM_000038.6 (MANE Select); coding-DNA positions 3404 to 3405, 2 bases deleted (AT; older notation c.3404_3405delAT).
Protein change: p.Asp1134_Tyr1135insTer.
Molecular consequence: nonsense.
Genome position (GRCh38, 1-based): chr5:112,838,998-112,838,999, AT deleted; deleting any 2 consecutive bases within chr5:112,838,997-112,838,999 gives the same sequence; the c. name uses the placement nearest the transcript's 3' end. VCF-style (leftmost placement, unchanged base first): chr5-112838996-CTA-C. GRCh37 (hg19) VCF-style: chr5-112174693-CTA-C.
Other names: c.3404_3405del, p.Asp1134_Tyr1135insTer (NM_001354895.2, NM_001127510.3); c.3458_3459del, p.Asp1152_Tyr1153insTer (NM_001354896.2); c.3434_3435del, p.Asp1144_Tyr1145insTer (NM_001354897.2); c.3329_3330del, p.Asp1109_Tyr1110insTer (NM_001354898.2); c.3320_3321del, p.Asp1106_Tyr1107insTer (NM_001354899.2); c.3350_3351del, p.Asp1116_Tyr1117insTer (NM_001127511.3); c.3281_3282del, p.Asp1093_Tyr1094insTer (NM_001354900.2); c.3227_3228del, p.Asp1075_Tyr1076insTer (NM_001354901.2); and 5 more.
Identifiers: ClinVar variation 219434 (VCV000219434.14), dbSNP rs864622086, ClinGen allele CA350349.
Genomic context (GRCh38, chr5:112,838,996, plus strand): 5'-AGTGGGTTCTAATCATGGAATTAATCAAAATGTAAGCCAGTCTTTGTGTCAAGAAGATGA[CTA>C]TGAAGATGATAAGCCTACCAATTATAGTGAACGTTACTCTGAAGAAGAACAGCATGAAGA-3'